The following is an entry in ClinVar:

ClinVar aggregate classification (germline): Likely benign (1 of 4 stars; one submission).

Allele frequency attached by ClinVar (database versions not stated): gnomAD exomes 0.00002; ExAC 0.00003; gnomAD 0.00003; TOPMed 0.00003.
gnomAD v4.1: 42 of 1,613,240 alleles (0.0026%); highest among the groups gnomAD compares: Non-Finnish European, 0.003%; no homozygotes.

Submission:

CeGaT Center for Human Genetics Tuebingen
Classification: Likely benign. Last evaluated: 2022-06-01. Review status: criteria provided, single submitter. Criteria: CeGaT Center For Human Genetics Tuebingen Variant Classification Criteria Version 2. Collection method: clinical testing. Allele origin: germline. Affected: yes. Observed: 1 variant allele.
Comment: ZCCHC14: BP4, BP7

NM_015144.3(ZCCHC14):c.1572C>T (p.Pro524=)

Gene: ZCCHC14 (zinc finger CCHC-type containing 14; minus strand). Cytogenetic location: 16q24.2.
Variant type: single nucleotide variant.
Coding change: c.1572C>T on transcript NM_015144.3 (MANE Select); coding-DNA position 1572, C replaced by T.
Protein change: p.Pro524=; no amino-acid change (proline 524 retained).
Molecular consequence: synonymous variant.
Genome position (GRCh38, 1-based): chr16:87,414,445, G>A on the plus strand (C>T on the coding strand, the complement: ZCCHC14 is on the minus strand). VCF-style: chr16-87414445-G-A. GRCh37 (hg19) VCF-style: chr16-87448051-G-A.
Identifiers: ClinVar variation 2646957 (VCV002646957.24), dbSNP rs770768449, ClinGen allele CA8220086.